The following is an entry in ClinVar:

NM_000138.5(FBN1):c.1669T>C (p.Cys557Arg)

Gene: FBN1 (fibrillin 1; minus strand). Cytogenetic location: 15q21.1.
Variant type: single nucleotide variant.
Coding change: c.1669T>C on transcript NM_000138.5 (MANE Select); coding-DNA position 1669, T replaced by C.
Protein change: p.Cys557Arg; replaces cysteine 557 with arginine.
Molecular consequence: missense variant.
Genome position (GRCh38, 1-based): chr15:48,510,089, A>G on the plus strand (T>C on the coding strand, the complement: FBN1 is on the minus strand). VCF-style: chr15-48510089-A-G. GRCh37 (hg19) VCF-style: chr15-48802286-A-G.
Other names: short protein forms C557R.
Identifiers: ClinVar variation 1299517 (VCV001299517.1), dbSNP rs2141323348, ClinGen allele CA392341054.

ClinVar aggregate classification (germline): Likely pathogenic (1 of 4 stars; one submission).

Conditions:
Marfan syndrome (MFS). Also called: Marfan syndrome type 1; Marfan's syndrome; FBN1-Related Marfan Syndrome; MARFAN SYNDROME, TYPE I; Marfan syndrome, classic. Identifiers: Orphanet 284963, Orphanet 558, MedGen C0024796, MONDO:0007947, OMIM 154700.

Submission:

Laboratory of Medical Genetics, National & Kapodistrian University of Athens
Classification: Likely pathogenic for Marfan syndrome. Last evaluated: 2021-10-01. Review status: criteria provided, single submitter. Criteria: ACMG Guidelines, 2015. Collection method: clinical testing. Allele origin: de novo. Affected: yes.
Comment: PM1, PM2, PM5, PM6, PP3, PP4

Literature cited by the submitters: PubMed 34008892.